The following is an entry in ClinVar:

NM_001378414.1(HDAC4):c.3107T>A (p.Leu1036Gln)

Gene: HDAC4 (histone deacetylase 4; minus strand). Cytogenetic location: 2q37.3.
Variant type: single nucleotide variant.
Coding change: c.3107T>A on transcript NM_001378414.1 (MANE Select); coding-DNA position 3107, T replaced by A.
Protein change: p.Leu1036Gln; replaces leucine 1036 with glutamine.
Molecular consequence: missense variant.
Genome position (GRCh38, 1-based): chr2:239,053,583, A>T on the plus strand (T>A on the coding strand, the complement: HDAC4 is on the minus strand). VCF-style: chr2-239053583-A-T. GRCh37 (hg19) VCF-style: chr2-239975279-A-T.
Other names: c.3107T>A, p.Leu1036Gln (NM_001378415.1); c.3092T>A, p.Leu1031Gln (NM_001378416.1, NM_001378417.1, NM_006037.4); short protein forms L1031Q, L1036Q.
Identifiers: ClinVar variation 3242173 (VCV003242173.1), dbSNP rs2469887358.

ClinVar aggregate classification (germline): Uncertain significance (1 of 4 stars; one submission).

Conditions:
Neurodevelopmental disorder with central hypotonia and dysmorphic facies (NEDCHF). Identifiers: MedGen C5676944, MONDO:0859232, OMIM 619797.

Allele frequency attached by ClinVar (database versions not stated): gnomAD exomes below 0.00001.
gnomAD v4.1: 3 of 1,613,646 alleles (0.00019%); highest among the groups gnomAD compares: South Asian, 0.0033%; no homozygotes.

Submission:

Neuberg Centre For Genomic Medicine, NCGM
Classification: Uncertain significance for Neurodevelopmental disorder with central hypotonia and dysmorphic facies. Review status: criteria provided, single submitter. Criteria: ACMG Guidelines, 2015. Collection method: clinical testing. Allele origin: germline. Inheritance: Autosomal dominant inheritance. Affected: yes.
Comment: The observed missense c.3107T>A (p.Leu1036Gln) variant in HDAC4 gene has not been reported previously as a pathogenic variant nor as a benign variant, to our knowledge. The p.Leu1036Gln variant is absent in gnomAD exomes database. This variant has not been reported to the ClinVar database. Multiple lines of computational evidence (SIFT - damaging; Polyphen - possibly damaging; MutationTaster - disease causing) predicts damaging effect on protein structure and function for this variant. The amino acid change p.Leu1036Gln in HDAC4 is predicted as conserved by GERP++ and PhyloP across 100 vertebrates. The amino acid Leu at position 1036 is changed to a Gln changing protein sequence and it might alter its composition and physico-chemical properties. For these reasons, this variant has been classified as a Variant of Uncertain Significance (VUS).